The following is an entry in ClinVar:

ClinVar aggregate classification (germline): Pathogenic (1 of 4 stars; one submission).

Submission:

Labcorp Genetics (formerly Invitae), Labcorp
Classification: Pathogenic. Last evaluated: 2023-03-01. Review status: criteria provided, single submitter. Criteria: Invitae Variant Classification Sherloc (09022015). Collection method: clinical testing. Allele origin: germline.
Comment: For these reasons, this variant has been classified as Pathogenic. This variant has not been reported in the literature in individuals affected with PCNT-related conditions. This variant is not present in population databases (gnomAD no frequency). This sequence change creates a premature translational stop signal (p.Asn1590Hisfs*9) in the PCNT gene. It is expected to result in an absent or disrupted protein product. Loss-of-function variants in PCNT are known to be pathogenic (PMID: 18174396, 22821869).

Literature cited by the submitters: PubMed 18174396; PubMed 22821869.

NM_006031.6(PCNT):c.4764_4765del (p.Asn1590fs)

Gene: PCNT (pericentrin; plus strand). Cytogenetic location: 21q22.3.
Variant type: Deletion.
Coding change: c.4764_4765del on transcript NM_006031.6 (MANE Select); coding-DNA positions 4764 to 4765, 2 bases deleted (GA; older notation c.4764_4765delGA).
Protein change: p.Asn1590fs; shifts the reading frame from asparagine 1590.
Molecular consequence: frameshift variant.
Genome position (GRCh38, 1-based): chr21:46,399,769-46,399,770, GA deleted; deleting any 2 consecutive bases within chr21:46,399,768-46,399,770 gives the same sequence; the c. name uses the placement nearest the transcript's 3' end. VCF-style (leftmost placement, unchanged base first): chr21-46399767-CAG-C. GRCh37 (hg19) VCF-style: chr21-47819681-CAG-C.
Other names: c.4410_4411del, p.Asn1472fs (NM_001315529.2); short protein forms N1472fs, N1590fs.
Identifiers: ClinVar variation 3022259 (VCV003022259.3), dbSNP rs2518646021, ClinGen allele CA2655023165.
Genomic context (GRCh38, chr21:46,399,767, plus strand): 5'-GAGGAGATGAACATCAACATCAGGAAAAAAGTGGCCCAGCTCCAGGAAGAAGTGGAAAAA[CAG>C]AAAAACATCGTGAAAGGGCTGGAACAGGTAAAGCGTCTCCATGTTGTGGTTGGGCACGTG-3'